The following is an entry in ClinVar:

NM_001386795.1(DTNA):c.1903+8G>A

Gene: DTNA (dystrobrevin alpha; plus strand). Cytogenetic location: 18q12.1.
Variant type: single nucleotide variant.
Coding change: c.1903+8G>A on transcript NM_001386795.1 (MANE Select); 8 bases into the intron after coding-DNA position 1903, G replaced by A.
Molecular consequence: intron variant. On other transcripts: genic downstream transcript variant (1).
Genome position (GRCh38, 1-based): chr18:34,875,406, G>A. VCF-style: chr18-34875406-G-A. GRCh37 (hg19) VCF-style: chr18-32455370-G-A.
Other names: c.*9245G>A (NM_001391.5); c.1651+8G>A (NM_032975.4, NM_001386761.1); c.1648+8G>A (NM_001386762.1); c.1732+8G>A (NM_001386754.1, NM_001386755.1, NM_001386757.1 and 3 more transcripts); c.1729+8G>A (NM_001386760.1); c.1642+8G>A (NM_001386763.1, NM_001386764.1, NM_001198940.2 and 5 more transcripts); c.1639+8G>A (NM_001386768.1, NM_001386769.1); c.1663+8G>A (NM_001198939.2); and 6 more.
Identifiers: ClinVar variation 36027 (VCV000036027.23), dbSNP rs111817603, ClinGen allele CA138309.

ClinVar aggregate classification (germline): Benign. Review status: criteria provided, multiple submitters, no conflicts (2 of 4 stars). 8 submissions from 8 submitters: Benign (5). 3 of the submissions do not count toward it. Last evaluated 2026-02-01.

Conditions:
Cardiomyopathy (CMYO). Also called: Cardiomyopathies. Identifiers: Orphanet 167848, MedGen C0878544, MONDO:0004994, HP:0001638. Inheritance: Various modes of inheritance.
Left ventricular noncompaction 1 (LVNC1). Also called: LEFT VENTRICULAR NONCOMPACTION 1 WITH OR WITHOUT CONGENITAL HEART DEFECTS. Identifiers: Orphanet 54260, MedGen C1858725, MONDO:0011403, OMIM 604169.

Allele frequency attached by ClinVar (database versions not stated): gnomAD exomes 0.00131 and 0.00338; ExAC 0.00436; gnomAD 0.01337 and 0.01438; ESP Exome Variant Server 0.01422; 1000 Genomes Project 0.01498; TOPMed 0.01547; 1000 Genomes Project 30x 0.01577.
gnomAD v4.1: 3,998 of 1,614,078 alleles (0.25%); highest among the groups gnomAD compares: African/African-American, 4.8%; 62 homozygotes.

Submissions (9):

Labcorp Genetics (formerly Invitae), Labcorp
Classification: Benign for Left ventricular noncompaction 1. Last evaluated: 2026-02-01. Review status: criteria provided, single submitter. Criteria: Invitae Variant Classification Sherloc (09022015). Collection method: clinical testing. Allele origin: germline.

ARUP Laboratories, Molecular Genetics and Genomics, ARUP Laboratories
Classification: Benign for Left ventricular noncompaction 1. Last evaluated: 2023-09-13. Review status: criteria provided, single submitter. Criteria: ARUP Molecular Germline Variant Investigation Process 2024. Collection method: clinical testing. Allele origin: germline.

Genome Diagnostics Laboratory, University Medical Center Utrecht
Classification: Benign for Left ventricular noncompaction 1. Last evaluated: 2016-09-08. Review status: criteria provided, single submitter. Criteria: ACGS Guidelines, 2013. Collection method: clinical testing. Allele origin: germline. Affected: yes. Study: VKGL Data-share Consensus.

GeneDx
Classification: Benign. Last evaluated: 2014-09-02. Review status: criteria provided, single submitter. Criteria: GeneDx Variant Classification (06012015). Collection method: clinical testing. Allele origin: germline. Affected: yes.
Comment: This variant is considered likely benign or benign based on one or more of the following criteria: it is a conservative change, it occurs at a poorly conserved position in the protein, it is predicted to be benign by multiple in silico algorithms, and/or has population frequency not consistent with disease.

Laboratory for Molecular Medicine, Mass General Brigham Personalized Medicine
Classification: Benign. Last evaluated: 2012-07-31. Review status: criteria provided, single submitter. Criteria: LMM Criteria. Collection method: clinical testing. Allele origin: germline. Observed: 28 variant alleles.
Comment: 4.2% (185/4406) of Afr Amer chrom from ESP

Women's Health and Genetics/Laboratory Corporation of America, LabCorp
Classification: Benign for Cardiomyopathy. Last evaluated: 2014-06-13. Review status: no assertion criteria provided. Collection method: clinical testing. Allele origin: germline. Not counted in ClinVar's aggregate classification.

Diagnostic Laboratory, Department of Genetics, University Medical Center Groningen
Classification: Benign for Left ventricular noncompaction 1. Review status: no assertion criteria provided. Collection method: clinical testing. Allele origin: germline. Affected: yes. Study: VKGL Data-share Consensus. Not counted in ClinVar's aggregate classification.

Dr. Peter K. Rogan Lab, Western University
No classification provided (evidence only). Condition: Lung cancer. Review status: no classification provided. Collection method: in vitro. Allele origin: not applicable. Functional consequence: retained intron. Not counted in ClinVar's aggregate classification.

Joint Genome Diagnostic Labs from Nijmegen and Maastricht, Radboudumc and MUMC+
Classification: Benign. Review status: no assertion criteria provided. Collection method: clinical testing. Allele origin: germline. Affected: yes. Study: VKGL Data-share Consensus. Not counted in ClinVar's aggregate classification.